The following is an entry in ClinVar:

ClinVar aggregate classification (germline): Likely benign (1 of 4 stars; one submission).

Submission:

Women's Health and Genetics/Laboratory Corporation of America, LabCorp
Classification: Likely benign. Last evaluated: 2026-03-11. Review status: criteria provided, single submitter. Criteria: LabCorp Variant Classification Summary - May 2015. Collection method: clinical testing. Allele origin: germline.
Comment: Variant summary: COL1A1 c.751-15_751-13delTTC alters a non-conserved nucleotide located at a position not widely known to affect splicing. Consensus agreement among computation tools predict no significant impact on normal splicing. However, these predictions have yet to be confirmed by functional studies. The variant allele was found at a frequency of 2e-05 in 251458 control chromosomes. The available data on variant occurrences in the general population are insufficient to allow any conclusion about variant significance. To our knowledge, no occurrence of c.751-15_751-13delTTC in individuals affected with COL1A1-related conditions and no experimental evidence demonstrating its impact on protein function have been reported. No submitters have cited clinical-significance assessments for this variant to ClinVar. Based on the evidence outlined above, the variant was classified as likely benign.

NM_000088.4(COL1A1):c.751-15_751-13del

Genes: COL1A1 (collagen type I alpha 1 chain; minus strand), LOC126862586 (CDK7 strongly-dependent group 2 enhancer GRCh37_chr17:48273702-48274901; plus strand). Cytogenetic location: 17q21.33.
Variant type: Microsatellite.
Coding change: c.751-15_751-13del on transcript NM_000088.4 (MANE Select); 15 bases into the intron before coding-DNA position 751 through 13 bases into the intron before coding-DNA position 751, 3 bases deleted (TTC; older notation c.751-15_751-13delTTC).
Molecular consequence: intron variant.
Genome position (GRCh38, 1-based): chr17:50,197,076-50,197,078, GAA deleted on the plus strand (TTC on the coding strand, the reverse complement: COL1A1 is on the minus strand); deleting any 3 consecutive bases within chr17:50,197,076-50,197,083 gives the same sequence; the c. name uses the placement nearest the transcript's 3' end. VCF-style (leftmost placement, unchanged base first): chr17-50197075-TGAA-T. GRCh37 (hg19) VCF-style: chr17-48274436-TGAA-T.
Other names: c.751-15_751-13delTTC (NM_000088.4).
Identifiers: ClinVar variation 4847316 (VCV004847316.1).
Genomic context (GRCh38, chr17:50,197,075, plus strand): 5'-GTCCCTTCATTCCAGGGAGGCCAGCTGTTCCGGGCAATCCTCGAGCACCCTGGAGAGAGA[TGAA>T]GAAGACAAGGAAGGGCCATTAGAACACATCACTGTGGACCCAGCTCCTAAATGAAGCCCA-3'